The following is an entry in ClinVar:

ClinVar aggregate classification (germline): Pathogenic/Likely pathogenic. Review status: criteria provided, multiple submitters, no conflicts (2 of 4 stars). 2 submissions from 2 submitters: Pathogenic (1); Likely pathogenic (1). Last evaluated 2025-12-24.

Conditions:
Neurofibromatosis, type 1 (NF1). Also called: NEUROFIBROMATOSIS, TYPE I, SOMATIC; VON RECKLINGHAUSEN DISEASE; Peripheral type neurofibromatosis; Neurofibromatosis, type I. Identifiers: Orphanet 636, MedGen C0027831, MONDO:0018975, OMIM 162200. Disease mechanism: loss of function.

Submissions (3):

Labcorp Genetics (formerly Invitae), Labcorp
Classification: Pathogenic for Neurofibromatosis, type 1. Last evaluated: 2025-12-24. Review status: criteria provided, single submitter. Criteria: Invitae Variant Classification Sherloc (09022015). Collection method: clinical testing. Allele origin: germline.
Comment: This sequence change affects an acceptor splice site in intron 12 of the NF1 gene. It is expected to disrupt RNA splicing. Variants that disrupt the donor or acceptor splice site typically lead to a loss of protein function (PMID: 16199547), and loss-of-function variants in NF1 are known to be pathogenic (PMID: 10712197, 23913538). This variant is not present in population databases (gnomAD no frequency). Disruption of this splice site has been observed in individuals with neurofibromatosis type 1 (internal data). Invitae Evidence Modeling of clinical and family history, age, sex, and reported ancestry of multiple individuals with this NF1 variant has been performed. This variant is expected to be pathogenic with a positive predictive value of at least 99%. This is a validated machine learning model that incorporates the clinical features of 1,785,918 individuals referred to our laboratory for NF1 testing. ClinVar contains an entry for this variant (Variation ID: 547589). Algorithms developed to predict the effect of sequence changes on RNA splicing suggest that this variant may disrupt the consensus splice site. For these reasons, this variant has been classified as Pathogenic.

Center for Human Genetics, Inc
Classification: Likely pathogenic for Neurofibromatosis, type 1. Last evaluated: 2016-11-01. Review status: criteria provided, single submitter. Criteria: ACMG Guidelines, 2015. Collection method: clinical testing. Allele origin: germline. Affected: yes.

Dr. Peter K. Rogan Lab, Western University
No classification provided (evidence only). Condition: Familial cancer of breast. Review status: no classification provided. Collection method: in vitro. Allele origin: not applicable. Functional consequence: cryptic splice site. Not counted in ClinVar's aggregate classification.

Literature cited by the submitters: PubMed 16199547 (cited by Labcorp Genetics (formerly Invitae), Labcorp); PubMed 10712197 (cited by Labcorp Genetics (formerly Invitae), Labcorp); PubMed 23913538 (cited by Labcorp Genetics (formerly Invitae), Labcorp).

NM_001042492.3(NF1):c.1393-1G>C

Gene: NF1 (neurofibromin 1; plus strand). Cytogenetic location: 17q11.2.
Variant type: single nucleotide variant.
Coding change: c.1393-1G>C on transcript NM_001042492.3 (MANE Select); the canonical splice acceptor site of the intron before coding-DNA position 1393, G replaced by C.
Molecular consequence: splice acceptor variant.
Genome position (GRCh38, 1-based): chr17:31,214,450, G>C. VCF-style: chr17-31214450-G-C. GRCh37 (hg19) VCF-style: chr17-29541468-G-C.
Other names: c.1393-1G>C (NM_000267.4, NM_001128147.3).
Identifiers: ClinVar variation 547589 (VCV000547589.7), dbSNP rs1131691131, ClinGen allele CA399001403.